The following is an entry in ClinVar:

ClinVar aggregate classification (germline): Uncertain significance. Review status: criteria provided, multiple submitters, no conflicts (2 of 4 stars). 2 submissions from 2 submitters: Uncertain significance (2). Last evaluated 2025-11-20.

Conditions:
Inborn genetic diseases. Identifiers: MedGen C0950123, MeSH D030342.

Allele frequency attached by ClinVar (database versions not stated): gnomAD 0.00006.
gnomAD v4.1: 63 of 1,614,014 alleles (0.0039%); highest among the groups gnomAD compares: Non-Finnish European, 0.0051%; no homozygotes.

Submissions (2):

Ambry Genetics
Classification: Uncertain significance for Inborn genetic diseases. Last evaluated: 2025-11-20. Review status: criteria provided, single submitter. Criteria: Ambry Variant Classification Scheme 2023. Collection method: clinical testing. Allele origin: germline.

Labcorp Genetics (formerly Invitae), Labcorp
Classification: Uncertain significance. Last evaluated: 2023-09-23. Review status: criteria provided, single submitter. Criteria: Invitae Variant Classification Sherloc (09022015). Collection method: clinical testing. Allele origin: germline.
Comment: Algorithms developed to predict the effect of missense changes on protein structure and function output the following: SIFT: "Not Available"; PolyPhen-2: "Benign"; Align-GVGD: "Not Available". The leucine amino acid residue is found in multiple mammalian species, which suggests that this missense change does not adversely affect protein function. In summary, the available evidence is currently insufficient to determine the role of this variant in disease. Therefore, it has been classified as a Variant of Uncertain Significance. This variant has not been reported in the literature in individuals affected with PTH1R-related conditions. This variant is present in population databases (rs199621988, gnomAD 0.002%). This sequence change replaces arginine, which is basic and polar, with leucine, which is neutral and non-polar, at codon 51 of the PTH1R protein (p.Arg51Leu).

NM_000316.3(PTH1R):c.152G>T (p.Arg51Leu)

Gene: PTH1R (parathyroid hormone 1 receptor; plus strand). Cytogenetic location: 3p21.31.
Variant type: single nucleotide variant.
Coding change: c.152G>T on transcript NM_000316.3 (MANE Select); coding-DNA position 152, G replaced by T.
Protein change: p.Arg51Leu; replaces arginine 51 with leucine.
Molecular consequence: missense variant.
Genome position (GRCh38, 1-based): chr3:46,893,983, G>T. VCF-style: chr3-46893983-G-T. GRCh37 (hg19) VCF-style: chr3-46935473-G-T.
Other names: c.152G>T (NM_000316.2); c.152G>T, p.Arg51Leu (NM_001184744.1); short protein forms R51L.
Identifiers: ClinVar variation 2765846 (VCV002765846.4), dbSNP rs199621988, ClinGen allele CA73766677.